The following is an entry in ClinVar:

ClinVar aggregate classification (germline): Uncertain significance (1 of 4 stars; one submission).

Conditions:
Dystonic disorder. Also called: Dystonia. Identifiers: MedGen C0013421, MONDO:0003441, HP:0001332.

Submission:

Labcorp Genetics (formerly Invitae), Labcorp
Classification: Uncertain significance for Dystonic disorder. Last evaluated: 2023-02-19. Review status: criteria provided, single submitter. Criteria: Invitae Variant Classification Sherloc (09022015). Collection method: clinical testing. Allele origin: germline.
Comment: In summary, the available evidence is currently insufficient to determine the role of this variant in disease. Therefore, it has been classified as a Variant of Uncertain Significance. Experimental studies and prediction algorithms are not available or were not evaluated, and the functional significance of this variant is currently unknown. This variant has not been reported in the literature in individuals affected with CIZ1-related conditions. This variant is not present in population databases (gnomAD no frequency). This variant, c.27_86del, results in the deletion of 20 amino acid(s) of the CIZ1 protein (p.Gln15_Gln34del), but otherwise preserves the integrity of the reading frame.

NM_001131016.2(CIZ1):c.27_86del (p.Gln15_Gln34del)

Gene: CIZ1 (CDKN1A interacting zinc finger protein 1; minus strand). Cytogenetic location: 9q34.11.
Variant type: Deletion.
Coding change: c.27_86del on transcript NM_001131016.2 (MANE Select); coding-DNA positions 27 to 86, 60 bases deleted.
Protein change: p.Gln15_Gln34del.
Molecular consequence: inframe deletion. On other transcripts: 5 prime UTR variant (1).
Genome position (GRCh38, 1-based): chr9:128,190,772-128,190,831, 60 bases deleted. GRCh37 (hg19): chr9:130,953,062-130,953,121.
Other names: c.27_86del, p.Gln15_Gln34del (NM_001131015.2, NM_001131017.2, NM_001131018.2 and 1 more transcripts); c.117_176del, p.Gln45_Gln64del (NM_001257975.2); c.-161_-102del (NM_001257976.2).
Identifiers: ClinVar variation 2955528 (VCV002955528.3), dbSNP rs2538877980, ClinGen allele CA2691864573.